The following is an entry in ClinVar:

ClinVar aggregate classification (germline): Uncertain significance. Review status: criteria provided, multiple submitters, no conflicts (2 of 4 stars). 3 submissions from 3 submitters: Uncertain significance (2). 1 of the submissions does not count toward it. Last evaluated 2021-07-19.

Conditions:
Dysosteosclerosis. Identifiers: Orphanet 1782, MedGen C0432262, MeSH C562973, MONDO:0009138, OMIM 224300.
H syndrome. Also called: FAISALABAD HISTIOCYTOSIS; HISTIOCYTOSIS AND LYMPHADENOPATHY WITH OR WITHOUT CUTANEOUS, CARDIAC, AND/OR ENDOCRINE FEATURES, JOINT CONTRACTURES, AND/OR DEAFNESS; HYPERPIGMENTATION, CUTANEOUS, WITH HYPERTRICHOSIS, HEPATOSPLENOMEGALY, HEART ANOMALIES, AND HYPOGONADISM WITH OR WITHOUT HEARING LOSS; PIGMENTED HYPERTRICHOSIS WITH INSULIN-DEPENDENT DIABETES MELLITUS; ROSAI-DORFMAN DISEASE, FAMILIAL; SINUS HISTIOCYTOSIS AND MASSIVE LYMPHADENOPATHY. Identifiers: Orphanet 168569, MedGen C1864445, MONDO:0011273, OMIM 602782.

Allele frequency attached by ClinVar (database versions not stated): gnomAD exomes below 0.00001.

Submissions (3):

Institute for Clinical Genetics, University Hospital TU Dresden, University Hospital TU Dresden
Classification: Uncertain significance. Last evaluated: 2021-07-19. Review status: criteria provided, single submitter. Criteria: ACMG Guidelines, 2015. Collection method: clinical testing. Allele origin: paternal.
Comment: PM2_SUP

Labcorp Genetics (formerly Invitae), Labcorp
Classification: Uncertain significance for H syndrome. Last evaluated: 2019-07-18. Review status: criteria provided, single submitter. Criteria: Invitae Variant Classification Sherloc (09022015). Collection method: clinical testing. Allele origin: germline.
Comment: In summary, the available evidence is currently insufficient to determine the role of this variant in disease. Therefore, it has been classified as a Variant of Uncertain Significance. Experimental studies and prediction algorithms are not available or were not evaluated for this variant, and the functional significance of the affected amino acid(s) is currently unknown. This variant has not been reported in the literature in individuals with SLC29A3-related conditions. This variant is not present in population databases (ExAC no frequency). This variant, c.303_320dup, results in the insertion of 6 amino acid(s) to the SLC29A3 protein (p.Tyr102_Leu107dup), but otherwise preserves the integrity of the reading frame.

Yale Center for Mendelian Genomics, Yale University
Classification: Pathogenic for Dysosteosclerosis. Last evaluated: 2021-07-01. Review status: no assertion criteria provided. Collection method: literature only. Allele origin: germline. Affected: yes. Observed: 1 homozygote. Study: Yale Center for Mendelian Genomics. Not counted in ClinVar's aggregate classification.

Literature cited by the submitters: PubMed 33837634 (cited by Yale Center for Mendelian Genomics, Yale University).

NM_018344.6(SLC29A3):c.303_320dup (p.Tyr102_Leu107dup)

Genes: SLC29A3 (solute carrier family 29 member 3; plus strand), LOC105378353 (uncharacterized LOC105378353; minus strand). Cytogenetic location: 10q22.1.
Variant type: Duplication.
Coding change: c.303_320dup on transcript NM_018344.6 (MANE Select); coding-DNA positions 303 to 320, 18 bases duplicated (CTACTTTGAGAGCTACCT).
Protein change: p.Tyr102_Leu107dup.
Molecular consequence: inframe insertion.
Genome position (GRCh38, 1-based): chr10:71,344,211-71,344,228, CTACTTTGAGAGCTACCT duplicated. VCF-style (leftmost placement, unchanged base first): chr10-71344210-A-ACTACTTTGAGAGCTACCT. GRCh37 (hg19) VCF-style: chr10-73103967-A-ACTACTTTGAGAGCTACCT.
Other names: c.303_320dupCTACTTTGAGAGCTACCT (NM_018344.5); c.303_320dup, p.Tyr102_Leu107dup (NM_001174098.2); c.69_86dup, p.Tyr24_Leu29dup (NM_001363518.2).
Identifiers: ClinVar variation 934211 (VCV000934211.11), dbSNP rs1846497179, ClinGen allele CA1139661468.